The following is an entry in ClinVar:

NM_000143.4(FH):c.797dup (p.Met266fs)

Gene: FH (fumarate hydratase; minus strand). Cytogenetic location: 1q43.
Variant type: Duplication.
Coding change: c.797dup on transcript NM_000143.4 (MANE Select); coding-DNA position 797, one base duplicated (T; older notation c.797dupT).
Protein change: p.Met266fs; shifts the reading frame from methionine 266.
Molecular consequence: frameshift variant.
Genome position (GRCh38, 1-based): chr1:241,506,110, A duplicated on the plus strand (T on the coding strand, the reverse complement: FH is on the minus strand). VCF-style (leftmost placement, unchanged base first): chr1-241506109-C-CA. GRCh37 (hg19) VCF-style: chr1-241669409-C-CA.
Other names: c.797dupT (NM_000143.3); short protein forms M266fs.
Identifiers: ClinVar variation 214392 (VCV000214392.9), dbSNP rs863223981, ClinGen allele CA320163.

ClinVar aggregate classification (germline): Pathogenic. Review status: criteria provided, multiple submitters, no conflicts (2 of 4 stars). 4 submissions from 4 submitters: Pathogenic (4). Last evaluated 2026-07-15.

Conditions:
Hereditary cancer-predisposing syndrome. Also called: Hereditary Cancer Syndrome; Tumor predisposition; Hereditary neoplastic syndrome; Neoplastic Syndromes, Hereditary. Identifiers: Orphanet 140162, MedGen C0027672, MeSH D009386, MONDO:0015356.
Hereditary leiomyomatosis and renal cell cancer. Also called: LEIOMYOMA, MULTIPLE CUTANEOUS; FH tumor predisposition syndrome; Multiple cutaneous leiomyomas; MULTIPLE CUTANEOUS AND UTERINE LEIOMYOMATA 1, WITH OR WITHOUT RENAL CELL CARCINOMA; Familial leiomyomatosis; Reed syndrome. Identifiers: Orphanet 523, MedGen C1708350, MONDO:0007888, OMIM 150800, HP:0007437. Disease mechanism: loss of function.

Submissions (4):

Myriad Genetics, Inc.
Classification: Pathogenic for Hereditary leiomyomatosis and renal cell cancer. Last evaluated: 2026-07-15. Review status: criteria provided, single submitter. Criteria: Myriad Autosomal Dominant, Autosomal Recessive and X-Linked Classification Criteria (2023). Collection method: clinical testing. Allele origin: unknown.
Comment: This variant is considered pathogenic. This variant creates a frameshift predicted to result in premature protein truncation.

Ambry Genetics
Classification: Pathogenic for Hereditary cancer-predisposing syndrome. Last evaluated: 2024-02-21. Review status: criteria provided, single submitter. Criteria: Ambry Variant Classification Scheme 2023. Collection method: clinical testing. Allele origin: germline.
Comment: The c.797dupT pathogenic mutation, located in coding exon 6 of the FH gene, results from a duplication of T at nucleotide position 797, causing a translational frameshift with a predicted alternate stop codon (p.M266Ifs*6). This variant was reported in multiple individuals with features consistent with hereditary leiomyomatosis and renal cell cancer (Bhola PT et al. Fam Cancer, 2018 Oct;17:615-620). This variant is considered to be rare based on population cohorts in the Genome Aggregation Database (gnomAD). This alteration is expected to result in loss of function by premature protein truncation or nonsense-mediated mRNA decay. As such, this alteration is interpreted as a disease-causing mutation.

Labcorp Genetics (formerly Invitae), Labcorp
Classification: Pathogenic. Last evaluated: 2023-02-26. Review status: criteria provided, single submitter. Criteria: Invitae Variant Classification Sherloc (09022015). Collection method: clinical testing. Allele origin: germline.
Comment: For these reasons, this variant has been classified as Pathogenic. ClinVar contains an entry for this variant (Variation ID: 214392). This premature translational stop signal has been observed in individual(s) with clinical features of hereditary leiomyomatosis and renal cell cancer (PMID: 29423582). This variant is not present in population databases (gnomAD no frequency). This sequence change creates a premature translational stop signal (p.Met266Ilefs*6) in the FH gene. It is expected to result in an absent or disrupted protein product. Loss-of-function variants in FH are known to be pathogenic (PMID: 11865300, 21398687).

GeneDx
Classification: Pathogenic. Last evaluated: 2014-12-23. Review status: criteria provided, single submitter. Criteria: GeneDx Variant Classification (06012015). Collection method: clinical testing. Allele origin: germline. Affected: yes.
Comment: The c.797dupT mutation in the FH gene causes a frameshift starting with codon Methionine 266, changes this amino acid to an Isoleucine residue and creates a premature Stop codon at position 6 of the new reading frame, denoted p.Met266IlefsX6. This mutation is predicted to cause loss of normal protein function either through protein truncation or nonsense-mediated mRNA decay. The presence of the c.797dupT mutation is consistent with a risk to develop features associated with HLRCC. The variant is found in FH panel(s).

Literature cited by the submitters: PubMed 29423582 (cited by Ambry Genetics and Labcorp Genetics (formerly Invitae), Labcorp); PubMed 11865300 (cited by Labcorp Genetics (formerly Invitae), Labcorp); PubMed 21398687 (cited by Labcorp Genetics (formerly Invitae), Labcorp).